The following is an entry in ClinVar:

ClinVar aggregate classification (germline): Uncertain significance (1 of 4 stars; one submission).

Allele frequency attached by ClinVar (database versions not stated): TOPMed 0.00004; gnomAD 0.00006 and 0.00008; 1000 Genomes Project 30x 0.00016; 1000 Genomes Project 0.00020.
gnomAD v4.1: 42 of 1,614,202 alleles (0.0026%); highest among the groups gnomAD compares: East Asian, 0.025%; no homozygotes.

Submission:

Labcorp Genetics (formerly Invitae), Labcorp
Classification: Uncertain significance. Last evaluated: 2026-01-06. Review status: criteria provided, single submitter. Criteria: Invitae Variant Classification Sherloc (09022015). Collection method: clinical testing. Allele origin: germline.
Comment: This sequence change replaces arginine, which is basic and polar, with serine, which is neutral and polar, at codon 276 of the OPN1SW protein (p.Arg276Ser). This variant is present in population databases (rs374829961, gnomAD 0.07%). This variant has not been reported in the literature in individuals affected with OPN1SW-related conditions. ClinVar contains an entry for this variant (Variation ID: 1039831). An algorithm developed to predict the effect of missense changes on protein structure and function (PolyPhen-2) suggests that this variant is likely to be tolerated. In summary, the available evidence is currently insufficient to determine the role of this variant in disease. Therefore, it has been classified as a Variant of Uncertain Significance.

NM_001385125.1(OPN1SW):c.817C>A (p.Arg273Ser)

Gene: OPN1SW (opsin 1, short wave sensitive; minus strand). Cytogenetic location: 7q32.1.
Variant type: single nucleotide variant.
Coding change: c.817C>A on transcript NM_001385125.1 (MANE Select); coding-DNA position 817, C replaced by A.
Protein change: p.Arg273Ser; replaces arginine 273 with serine.
Molecular consequence: missense variant.
Genome position (GRCh38, 1-based): chr7:128,773,750, G>T on the plus strand (C>A on the coding strand, the complement: OPN1SW is on the minus strand). VCF-style: chr7-128773750-G-T. GRCh37 (hg19) VCF-style: chr7-128413804-G-T.
Other names: short protein forms R273S.
Identifiers: ClinVar variation 1039831 (VCV001039831.7), dbSNP rs374829961, ClinGen allele CA4472828.